The following is an entry in ClinVar:

NM_006516.4(SLC2A1):c.590C>T (p.Ala197Val)

Gene: SLC2A1 (solute carrier family 2 member 1; minus strand). Cytogenetic location: 1p34.2.
Variant type: single nucleotide variant.
Coding change: c.590C>T on transcript NM_006516.4 (MANE Select); coding-DNA position 590, C replaced by T.
Protein change: p.Ala197Val; replaces alanine 197 with valine.
Molecular consequence: missense variant.
Genome position (GRCh38, 1-based): chr1:42,929,962, G>A on the plus strand (C>T on the coding strand, the complement: SLC2A1 is on the minus strand). VCF-style: chr1-42929962-G-A. GRCh37 (hg19) VCF-style: chr1-43395633-G-A.
Other names: short protein forms A197V.
Identifiers: ClinVar variation 2879996 (VCV002879996.4), dbSNP rs1381362306, ClinGen allele CA339958634.
Genomic context (GRCh38, chr1:42,929,962, plus strand): 5'-TTGATGAGCAGGAAGCGGGGACTCTCGGGGCAGAAGGGCAGCACGATGCACTGCAGCAGG[G>A]CCGGGATGAAGATGATGCTCAGCAGCAGGGGCCACAGGTCCTTGTTGCCCATGATGGAGT-3'
Protein context (NP_006507.2, residues 187-207): PLLLSIIFIP[Ala197Val]LLQCIVLPFC

ClinVar aggregate classification (germline): Uncertain significance. Review status: criteria provided, multiple submitters, no conflicts (2 of 4 stars). 2 submissions from 2 submitters: Uncertain significance (2). Last evaluated 2024-05-06.

Conditions:
GLUT1 deficiency syndrome 1, autosomal recessive. Identifiers: MedGen C3149117.

Allele frequency attached by ClinVar (database versions not stated): gnomAD exomes below 0.00001; TOPMed below 0.00001; gnomAD 0.00001.
gnomAD v4.1: 2 of 1,614,080 alleles (0.00012%); highest among the groups gnomAD compares: African/African-American, 0.0013%; no homozygotes.

Submissions (2):

Revvity Omics, Revvity
Classification: Uncertain significance. Last evaluated: 2024-05-06. Review status: criteria provided, single submitter. Criteria: ACMG Guidelines, 2015. Collection method: clinical testing. Allele origin: germline.

Labcorp Genetics (formerly Invitae), Labcorp
Classification: Uncertain significance for GLUT1 deficiency syndrome 1, autosomal recessive. Last evaluated: 2023-10-03. Review status: criteria provided, single submitter. Criteria: Invitae Variant Classification Sherloc (09022015). Collection method: clinical testing. Allele origin: germline.
Comment: This sequence change replaces alanine, which is neutral and non-polar, with valine, which is neutral and non-polar, at codon 197 of the SLC2A1 protein (p.Ala197Val). This variant is not present in population databases (gnomAD no frequency). This variant has not been reported in the literature in individuals affected with SLC2A1-related conditions. Advanced modeling of protein sequence and biophysical properties (such as structural, functional, and spatial information, amino acid conservation, physicochemical variation, residue mobility, and thermodynamic stability) performed at Invitae indicates that this missense variant is expected to disrupt SLC2A1 protein function. In summary, the available evidence is currently insufficient to determine the role of this variant in disease. Therefore, it has been classified as a Variant of Uncertain Significance.